The following is an entry in ClinVar:

ClinVar aggregate classification (germline): Likely benign. Review status: criteria provided, multiple submitters, no conflicts (2 of 4 stars). 2 submissions from 2 submitters: Likely benign (2). Last evaluated 2025-12-29.

Conditions:
Familial cancer of breast. Also called: Hereditary breast cancer; BREAST CANCER, FAMILIAL; hereditary breast carcinoma. Identifiers: Orphanet 227535, MedGen C0346153, MONDO:0016419, OMIM 114480. Disease mechanism: loss of function.

Allele frequency attached by ClinVar (database versions not stated): gnomAD exomes below 0.00001; ExAC 0.00001; TOPMed 0.00001.

Submissions (2):

Center for Genomic Medicine, Rigshospitalet, Copenhagen University Hospital
Classification: Likely benign. Last evaluated: 2025-12-29. Review status: criteria provided, single submitter. Criteria: ACMG Guidelines, 2015. Collection method: clinical testing. Allele origin: germline.

MGZ Medical Genetics Center
Classification: Likely benign for Familial cancer of breast. Last evaluated: 2024-02-09. Review status: criteria provided, single submitter. Criteria: CSpec BRCA1/2ACMG Rules Specifications V1.1.0. Collection method: clinical testing. Allele origin: germline. Affected: yes.
Comment: ACMG codes applied following ENIGMA VCEP rules: BP4, BP7

NM_007294.4(BRCA1):c.*39G>A

Gene: BRCA1 (BRCA1 DNA repair associated; minus strand). Cytogenetic location: 17q21.31.
Variant type: single nucleotide variant.
Coding change: c.*39G>A on transcript NM_007294.4 (MANE Select); 39 bases downstream of the stop codon, G replaced by A.
Molecular consequence: 3 prime UTR variant.
Genome position (GRCh38, 1-based): chr17:43,045,639, C>T on the plus strand (G>A on the coding strand, the complement: BRCA1 is on the minus strand). VCF-style: chr17-43045639-C-T. GRCh37 (hg19) VCF-style: chr17-41197656-C-T.
Other names: c.*39G>A (NM_001407571.1, NM_001407581.1, NM_001407582.1 and 348 more transcripts); c.*145G>A (NM_001407854.1, NM_001407858.1, NM_001407859.1 and 14 more transcripts).
Identifiers: ClinVar variation 2920725 (VCV002920725.2), dbSNP rs777938968, ClinGen allele CA055860.